The following is an entry in ClinVar:

ClinVar aggregate classification (germline): Likely pathogenic (1 of 4 stars; one submission).

Conditions:
Neuronal ceroid lipofuscinosis 2. Also called: TPP1-Related Neuronal Ceroid-Lipofuscinosis; JANSKY-BIELSCHOWSKY DISEASE NEURONAL CEROID LIPOFUSCINOSIS, LATE INFANTILE. Identifiers: Orphanet 168491, Orphanet 228349, Orphanet 79264, MedGen C1876161, MONDO:0008769, OMIM 204500.

Submission:

Myriad Genetics, Inc.
Classification: Likely pathogenic for Neuronal ceroid lipofuscinosis 2. Last evaluated: 2022-02-19. Review status: criteria provided, single submitter. Criteria: Myriad Women's Health Autosomal Recessive and X-Linked Classification Criteria (2021). Collection method: clinical testing. Allele origin: unknown.
Comment: NM_000391.3(TPP1):c.1248_1250delCCCinsT(P417Tfs*16) is expected to be pathogenic in the context of TPP1-related neuronal ceroid lipofuscinosis. This variant is predicted to lead to an abnormal or absent protein product due to the creation of a premature termination codon in TPP1, a gene where loss-of-function variants are known to be pathogenic. Please note: this variant was assessed in the context of healthy population screening.

NM_000391.4(TPP1):c.1248_1250delinsT (p.Pro417fs)

Gene: TPP1 (tripeptidyl peptidase 1; minus strand). Cytogenetic location: 11p15.4.
Variant type: Indel.
Coding change: c.1248_1250delinsT on transcript NM_000391.4 (MANE Select); coding-DNA positions 1248 to 1250, CCC replaced by T.
Protein change: p.Pro417fs; shifts the reading frame from proline 417.
Molecular consequence: frameshift variant.
Genome position (GRCh38, 1-based): chr11:6,615,458-6,615,460, GGG replaced by A on the plus strand (CCC replaced by T on the coding strand, the reverse complement: TPP1 is on the minus strand). VCF-style: chr11-6615458-GGG-A. GRCh37 (hg19) VCF-style: chr11-6636689-GGG-A.
Other names: short protein forms P417fs.
Identifiers: ClinVar variation 1724563 (VCV001724563.2), dbSNP rs2493796837, ClinGen allele CA2580084002.